The following is an entry in ClinVar:

NM_000073.3(CD3G):c.220C>G (p.Leu74Val)

Genes: CD3G (CD3 gamma subunit of T-cell receptor complex; plus strand), LOC126861358 (BRD4-independent group 4 enhancer GRCh37_chr11:118220212-118221411; plus strand). Cytogenetic location: 11q23.3.
Variant type: single nucleotide variant.
Coding change: c.220C>G on transcript NM_000073.3 (MANE Select); coding-DNA position 220, C replaced by G.
Protein change: p.Leu74Val; replaces leucine 74 with valine.
Molecular consequence: missense variant.
Genome position (GRCh38, 1-based): chr11:118,349,883, C>G. VCF-style: chr11-118349883-C-G. GRCh37 (hg19) VCF-style: chr11-118220598-C-G.
Other names: short protein forms L74V.
Identifiers: ClinVar variation 3623325 (VCV003623325.1).

ClinVar aggregate classification (germline): Uncertain significance (1 of 4 stars; one submission).

Conditions:
Combined immunodeficiency due to CD3gamma deficiency. Also called: CD3-GAMMA DEFICIENCY; SCID-LIKE IMMUNODEFICIENCY, T CELL-PARTIAL, B CELL-POSITIVE, NK CELL-POSITIVE; Immunodeficiency 17; Immunodeficiency 17, CD3 gamma deficient. Identifiers: Orphanet 169082, MedGen C3810107, MONDO:0014276, OMIM 615607.

gnomAD v4.1: 3 of 1,614,072 alleles (0.00019%); highest among the groups gnomAD compares: Non-Finnish European, 0.00025%; no homozygotes.

Submission:

Labcorp Genetics (formerly Invitae), Labcorp
Classification: Uncertain significance for Combined immunodeficiency due to CD3gamma deficiency. Last evaluated: 2024-09-06. Review status: criteria provided, single submitter. Criteria: Invitae Variant Classification Sherloc (09022015). Collection method: clinical testing. Allele origin: germline.
Comment: This sequence change replaces leucine, which is neutral and non-polar, with valine, which is neutral and non-polar, at codon 74 of the CD3G protein (p.Leu74Val). This variant is not present in population databases (gnomAD no frequency). This variant has not been reported in the literature in individuals affected with CD3G-related conditions. An algorithm developed to predict the effect of missense changes on protein structure and function (PolyPhen-2) suggests that this variant¬†is likely to be tolerated. In summary, the available evidence is currently insufficient to determine the role of this variant in disease. Therefore, it has been classified as a Variant of Uncertain Significance.